The following is an entry in ClinVar:

NM_019885.4(CYP26B1):c.1146+2T>C

Gene: CYP26B1 (cytochrome P450 family 26 subfamily B member 1; minus strand). Cytogenetic location: 2p13.2.
Variant type: single nucleotide variant.
Coding change: c.1146+2T>C on transcript NM_019885.4 (MANE Select); the canonical splice donor site of the intron after coding-DNA position 1146, T replaced by C.
Molecular consequence: splice donor variant.
Genome position (GRCh38, 1-based): chr2:72,133,021, A>G on the plus strand (T>C on the coding strand, the complement: CYP26B1 is on the minus strand). VCF-style: chr2-72133021-A-G. GRCh37 (hg19) VCF-style: chr2-72360150-A-G.
Other names: c.921+2T>C (NM_001277742.2).
Identifiers: ClinVar variation 4886920 (VCV004886920.1).
Genomic context (GRCh38, chr2:72,133,021, plus strand): 5'-CTTGCCCCTATCCCGGTGCCCCTGCTCCCCCATCGCCCCCGGTGCCACGGGCCCAGCCTC[A>G]CATCAAGCTCGAAGGTCTGCAGCACAGTGCGGTAGCCGCCGGAAATGGGCGTGAACAGGC-3'

ClinVar aggregate classification (germline): Pathogenic (1 of 4 stars; one submission).

Conditions:
Lethal occipital encephalocele-skeletal dysplasia syndrome. Identifiers: Orphanet 293925, MedGen C3280729, MONDO:0013740, OMIM 614416.

Submission:

Medical Genetics, Marmara University School Of Medicine
Classification: Pathogenic for Lethal occipital encephalocele-skeletal dysplasia syndrome. Last evaluated: 2026-07-09. Review status: criteria provided, single submitter. Criteria: Variant Classification Assertion Criteria, v1. Collection method: research. Allele origin: germline, paternal. Inheritance: Autosomal dominant inheritance. Affected: yes. Observed: 3 variant alleles, 3 heterozygotes. Clinical features observed: Renal hypoplasia, Vesicoureteral reflux, Radioulnar synostosis, Craniosynostosis, Turricephaly, Ptosis, Bulbous nose, Hypoplastic nasal alae, Low-set ears, Testicular hypoplasia. Segregation with disease observed.
Comment: Canonical splice donor variant NM_019885.4:c.1146+2T>C in CYP26B1. Classified Pathogenic per ACMG/AMP. Criteria applied: PVS1 (canonical +2 splice donor variant, predicted loss of function through aberrant splicing/NMD in a gene where LoF is an established disease mechanism); PS1_Supporting; PM2_Supporting (absent from large population databases); PP1_Strong (co-segregation with a syndromic phenotype comprising CAKUT, radioulnar synostosis and craniosynostosis-spectrum features across multiple affected relatives in a single family). A monoallelic (heterozygous) LoF mechanism for CYP26B1 has been reported.

Literature cited by the submitters: PubMed 37755482.